The following is an entry in ClinVar:

NM_020975.6(RET):c.1061A>G (p.Tyr354Cys)

Gene: RET (ret proto-oncogene; plus strand). Cytogenetic location: 10q11.21.
Variant type: single nucleotide variant.
Coding change: c.1061A>G on transcript NM_020975.6 (MANE Select); coding-DNA position 1061, A replaced by G.
Protein change: p.Tyr354Cys; replaces tyrosine 354 with cysteine.
Molecular consequence: missense variant. On other transcripts: intron variant (25).
Genome position (GRCh38, 1-based): chr10:43,106,569, A>G. VCF-style: chr10-43106569-A-G. GRCh37 (hg19) VCF-style: chr10-43602017-A-G.
Other names: c.1061A>G, p.Tyr354Cys (NM_000323.2, NM_001406743.1, NM_001406744.1 and 6 more transcripts); c.299A>G, p.Tyr100Cys (NM_001355216.2); c.932A>G, p.Tyr311Cys (NM_001406761.1, NM_001406762.1, NM_001406764.1 and 1 more transcripts); c.773A>G, p.Tyr258Cys (NM_001406766.1, NM_001406767.1, NM_001406770.1); c.867+1376A>G (NM_001406772.1, NM_001406769.1); c.626-2462A>G (NM_001406773.1, NM_001406771.1); c.625+3940A>G (NM_001406782.1, NM_001406780.1, NM_001406779.1 and 3 more transcripts); c.738+1376A>G (NM_001406774.1); and 5 more; short protein forms Y258C, Y354C, Y100C, Y311C.
Identifiers: ClinVar variation 2765969 (VCV002765969.5), dbSNP rs2538405878, ClinGen allele CA376546531.

ClinVar aggregate classification (germline): Uncertain significance. Review status: criteria provided, multiple submitters, no conflicts (2 of 4 stars). 3 submissions from 3 submitters: Uncertain significance (3). Last evaluated 2025-12-18.

Conditions:
Multiple endocrine neoplasia, type 2 (MEN2). Identifiers: Orphanet 653, MedGen C4048306, MONDO:0019003. Disease mechanism: gain of function.
Hereditary cancer-predisposing syndrome. Also called: Tumor predisposition; Hereditary Cancer Syndrome; Hereditary neoplastic syndrome; Neoplastic Syndromes, Hereditary. Identifiers: Orphanet 140162, MedGen C0027672, MeSH D009386, MONDO:0015356.

Submissions (3):

Ambry Genetics
Classification: Uncertain significance for Hereditary cancer-predisposing syndrome. Last evaluated: 2025-12-18. Review status: criteria provided, single submitter. Criteria: Ambry Variant Classification Scheme 2023. Collection method: clinical testing. Allele origin: germline.
Comment: The p.Y354C variant (also known as c.1061A>G), located in coding exon 5 of the RET gene, results from an A to G substitution at nucleotide position 1061. The tyrosine at codon 354 is replaced by cysteine, an amino acid with highly dissimilar properties. This amino acid position is conserved. In addition, this alteration is predicted to be deleterious by in silico analysis. Based on the available evidence, the clinical significance of this variant remains unclear.

GeneDx
Classification: Uncertain significance. Last evaluated: 2023-10-22. Review status: criteria provided, single submitter. Criteria: GeneDx Variant Classification Process June 2021. Collection method: clinical testing. Allele origin: germline. Affected: yes.
Comment: Not observed at significant frequency in large population cohorts (gnomAD); In silico analysis supports that this missense variant has a deleterious effect on protein structure/function; Has not been previously published as pathogenic or benign to our knowledge; In silico analysis suggests this variant may impact gene splicing. In the absence of RNA/functional studies, the actual effect of this sequence change is unknown; This variant is associated with the following publications: (PMID: 14633923)

Labcorp Genetics (formerly Invitae), Labcorp
Classification: Uncertain significance for Multiple endocrine neoplasia, type 2. Last evaluated: 2023-10-05. Review status: criteria provided, single submitter. Criteria: Invitae Variant Classification Sherloc (09022015). Collection method: clinical testing. Allele origin: germline.
Comment: This sequence change replaces tyrosine, which is neutral and polar, with cysteine, which is neutral and slightly polar, at codon 354 of the RET protein (p.Tyr354Cys). This variant is not present in population databases (gnomAD no frequency). This variant has not been reported in the literature in individuals affected with RET-related conditions. An algorithm developed to predict the effect of missense changes on protein structure and function (PolyPhen-2) suggests that this variant is likely to be disruptive. Algorithms developed to predict the effect of sequence changes on RNA splicing suggest that this variant may create or strengthen a splice site. In summary, the available evidence is currently insufficient to determine the role of this variant in disease. Therefore, it has been classified as a Variant of Uncertain Significance.